The following is an entry in ClinVar:

ClinVar aggregate classification (germline): Uncertain significance (1 of 4 stars; one submission).

Submission:

Labcorp Genetics (formerly Invitae), Labcorp
Classification: Uncertain significance. Last evaluated: 2022-04-06. Review status: criteria provided, single submitter. Criteria: Invitae Variant Classification Sherloc (09022015). Collection method: clinical testing. Allele origin: germline.
Comment: This sequence change replaces cysteine, which is neutral and slightly polar, with serine, which is neutral and polar, at codon 511 of the FAM161A protein (p.Cys511Ser). This variant is not present in population databases (gnomAD no frequency). This variant has not been reported in the literature in individuals affected with FAM161A-related conditions. Algorithms developed to predict the effect of missense changes on protein structure and function output the following: SIFT: "Tolerated"; PolyPhen-2: "Benign"; Align-GVGD: "Class C0". The serine amino acid residue is found in multiple mammalian species, which suggests that this missense change does not adversely affect protein function. In summary, the available evidence is currently insufficient to determine the role of this variant in disease. Therefore, it has been classified as a Variant of Uncertain Significance.

NM_001201543.2(FAM161A):c.1531T>A (p.Cys511Ser)

Gene: FAM161A (FAM161 centrosomal protein A; minus strand). Cytogenetic location: 2p15.
Variant type: single nucleotide variant.
Coding change: c.1531T>A on transcript NM_001201543.2 (MANE Select); coding-DNA position 1531, T replaced by A.
Protein change: p.Cys511Ser; replaces cysteine 511 with serine.
Molecular consequence: missense variant. On other transcripts: non-coding transcript variant (1).
Genome position (GRCh38, 1-based): chr2:61,839,473, A>T on the plus strand (T>A on the coding strand, the complement: FAM161A is on the minus strand). VCF-style: chr2-61839473-A-T. GRCh37 (hg19) VCF-style: chr2-62066608-A-T.
Other names: c.1531T>A, p.Cys511Ser (NM_032180.3); short protein forms C511S.
Identifiers: ClinVar variation 1936988 (VCV001936988.2), dbSNP rs2466022341, ClinGen allele CA346986330.
Genomic context (GRCh38, chr2:61,839,473, plus strand): 5'-TTACTTACCTTACGGCTTGTTCTCGTCCTCTGGAAGATACCGTGGGCACGGGAGGGTTGC[A>T]GTTACAAGGCACAGGGTTTACACCTGCACATCTTACTGGTGACTTACGCCTTGGAGACAA-3'
Protein context (NP_001188472.1, residues 501-521): CAGVNPVPCN[Cys511Ser]NPPVPTVSSR